The following is an entry in ClinVar:

NM_020366.4(RPGRIP1):c.3773C>T (p.Thr1258Ile)

Gene: RPGRIP1 (RPGR interacting protein 1; plus strand). Cytogenetic location: 14q11.2.
Variant type: single nucleotide variant.
Coding change: c.3773C>T on transcript NM_020366.4 (MANE Select); coding-DNA position 3773, C replaced by T.
Protein change: p.Thr1258Ile; replaces threonine 1258 with isoleucine.
Molecular consequence: missense variant.
Genome position (GRCh38, 1-based): chr14:21,351,128, C>T. VCF-style: chr14-21351128-C-T. GRCh37 (hg19) VCF-style: chr14-21819287-C-T.
Other names: c.1751C>T, p.Thr584Ile (NM_001377523.1, NM_001377950.1); c.2699C>T, p.Thr900Ile (NM_001377948.1); c.1859C>T, p.Thr620Ile (NM_001377949.1); c.1256C>T, p.Thr419Ile (NM_001377951.1); c.3773C>T (NM_020366.3); short protein forms T1258I, T419I, T584I, T620I, T900I.
Identifiers: ClinVar variation 1052335 (VCV001052335.9), dbSNP rs759191514, ClinGen allele CA7089615.
Genomic context (GRCh38, chr14:21,351,128, plus strand): 5'-AACTGAGTGATGCTGTTTTTTTCCCTTTCCCAACAGTTGTTAGCCCTGAAGATCTGGCTA[C>T]CCCAATAGGAAGGCTGAAGGTTTCCCTTCAAGCAGCTGCTGTCCTCCATGCTATTTACAA-3'
Protein context (NP_065099.3, residues 1248-1268): LDIVSPEDLA[Thr1258Ile]PIGRLKVSLQ

ClinVar aggregate classification (germline): Uncertain significance. Review status: criteria provided, multiple submitters, no conflicts (2 of 4 stars). 3 submissions from 3 submitters: Uncertain significance (3). Last evaluated 2022-03-21.

Conditions:
Leber congenital amaurosis 6 (LCA6). Identifiers: Orphanet 65, MedGen C1854260, MONDO:0013446, OMIM 613826.
Cone-rod dystrophy 13 (CORD13). Identifiers: Orphanet 1872, MedGen C2750720, MONDO:0011987, OMIM 608194.

Allele frequency attached by ClinVar (database versions not stated): TOPMed below 0.00001; gnomAD 0.00001; gnomAD exomes 0.00002; ExAC 0.00004.
gnomAD v4.1: 35 of 1,611,424 alleles (0.0022%); highest among the groups gnomAD compares: Non-Finnish European, 0.0027%; no homozygotes.

Submissions (3):

Revvity Omics, Revvity
Classification: Uncertain significance. Last evaluated: 2022-03-21. Review status: criteria provided, single submitter. Criteria: ACMG Guidelines, 2015. Collection method: clinical testing. Allele origin: germline.

Labcorp Genetics (formerly Invitae), Labcorp
Classification: Uncertain significance for Leber congenital amaurosis 6; Cone-rod dystrophy 13. Last evaluated: 2022-03-10. Review status: criteria provided, single submitter. Criteria: Invitae Variant Classification Sherloc (09022015). Collection method: clinical testing. Allele origin: germline.
Comment: This variant is present in population databases (rs759191514, gnomAD 0.007%). This sequence change replaces threonine, which is neutral and polar, with isoleucine, which is neutral and non-polar, at codon 1258 of the RPGRIP1 protein (p.Thr1258Ile). This missense change has been observed in individual(s) with Leber congenital amaurosis (PMID: 22261762). In summary, the available evidence is currently insufficient to determine the role of this variant in disease. Therefore, it has been classified as a Variant of Uncertain Significance. Algorithms developed to predict the effect of missense changes on protein structure and function output the following: SIFT: "Tolerated"; PolyPhen-2: "Benign"; Align-GVGD: "Class C0". The isoleucine amino acid residue is found in multiple mammalian species, which suggests that this missense change does not adversely affect protein function. ClinVar contains an entry for this variant (Variation ID: 1052335).

Breakthrough Genomics
Classification: Uncertain significance. Review status: criteria provided, single submitter. Criteria: ACMG Guidelines, 2015. Collection method: not provided. Allele origin: germline. Inheritance: Autosomal recessive inheritance. Affected: yes.

Literature cited by the submitters: PubMed 22261762 (cited by Labcorp Genetics (formerly Invitae), Labcorp).